The following is an entry in ClinVar:

NM_001042432.2(CLN3):c.191G>A (p.Ser64Asn)

Gene: CLN3 (CLN3 lysosomal/endosomal transmembrane protein, battenin; minus strand). Cytogenetic location: 16p12.1.
Variant type: single nucleotide variant.
Coding change: c.191G>A on transcript NM_001042432.2 (MANE Select); coding-DNA position 191, G replaced by A.
Protein change: p.Ser64Asn; replaces serine 64 with asparagine.
Molecular consequence: missense variant. On other transcripts: 5 prime UTR variant (1).
Genome position (GRCh38, 1-based): chr16:28,489,321, C>T on the plus strand (G>A on the coding strand, the complement: CLN3 is on the minus strand). VCF-style: chr16-28489321-C-T. GRCh37 (hg19) VCF-style: chr16-28500642-C-T.
Other names: c.191G>A, p.Ser64Asn (NM_000086.2, NM_001286104.2); c.-30G>A (NM_001286105.2); c.29G>A, p.Ser10Asn (NM_001286109.2, NM_001286110.2); short protein forms S10N, S64N.
Identifiers: ClinVar variation 970089 (VCV000970089.6), dbSNP rs2046274351, ClinGen allele CA395346446.
Genomic context (GRCh38, chr16:28,489,321, plus strand): 5'-CATGGTGGTGGTGGTAGAGAGTCACTTACATGGCTCTGGTTTCCCGATGTCCTCTTGTGG[C>T]TAAGGATGTCGTGGGCGGCACTCAGCATCACCACATAAGAGAAGTTGTTGCAAAGGCCCA-3'
Protein context (NP_001035897.1, residues 54-74): VMLSAAHDIL[Ser64Asn]HKRTSGNQSH

ClinVar aggregate classification (germline): Uncertain significance (1 of 4 stars; one submission).

Conditions:
Neuronal ceroid lipofuscinosis. Also called: Neuronal Ceroid Lipofuscinoses. Identifiers: Orphanet 216, Orphanet 79263, MedGen C0027877, MONDO:0016295. Disease mechanism: loss of function.

Submission:

Labcorp Genetics (formerly Invitae), Labcorp
Classification: Uncertain significance for Neuronal ceroid lipofuscinosis. Last evaluated: 2021-09-02. Review status: criteria provided, single submitter. Criteria: Invitae Variant Classification Sherloc (09022015). Collection method: clinical testing. Allele origin: germline.
Comment: This sequence change replaces serine with asparagine at codon 64 of the CLN3 protein (p.Ser64Asn). The serine residue is weakly conserved and there is a small physicochemical difference between serine and asparagine. This variant is not present in population databases (ExAC no frequency). This variant has not been reported in the literature in individuals affected with CLN3-related conditions. Algorithms developed to predict the effect of missense changes on protein structure and function (SIFT, PolyPhen-2, Align-GVGD) all suggest that this variant is likely to be tolerated. In summary, the available evidence is currently insufficient to determine the role of this variant in disease. Therefore, it has been classified as a Variant of Uncertain Significance.